The following is an entry in ClinVar:

ClinVar aggregate classification (germline): Uncertain significance (1 of 4 stars; one submission).

Submission:

Labcorp Genetics (formerly Invitae), Labcorp
Classification: Uncertain significance. Last evaluated: 2025-09-19. Review status: criteria provided, single submitter. Criteria: Invitae Variant Classification Sherloc (09022015). Collection method: clinical testing. Allele origin: germline.
Comment: This sequence change falls in intron 27 of the AP3D1 gene. It does not directly change the encoded amino acid sequence of the AP3D1 protein. This variant is not present in population databases (gnomAD no frequency). This variant has not been reported in the literature in individuals affected with AP3D1-related conditions. Experimental studies and prediction algorithms are not available or were not evaluated, and the effect of this variant on mRNA splicing is currently unknown. In summary, the available evidence is currently insufficient to determine the role of this variant in disease. Therefore, it has been classified as a Variant of Uncertain Significance.

NM_001261826.3(AP3D1):c.3176-18_3176-3dup

Gene: AP3D1 (adaptor related protein complex 3 subunit delta 1; minus strand). Cytogenetic location: 19p13.3.
Variant type: Duplication.
Coding change: c.3176-18_3176-3dup on transcript NM_001261826.3 (MANE Select); 18 bases into the intron before coding-DNA position 3176 through 3 bases into the intron before coding-DNA position 3176, 16 bases duplicated (CCCTCTCGCCCCCGCC).
Molecular consequence: intron variant.
Genome position (GRCh38, 1-based): chr19:2,110,227-2,110,242, GGCGGGGGCGAGAGGG duplicated on the plus strand (CCCTCTCGCCCCCGCC on the coding strand, the reverse complement: AP3D1 is on the minus strand). VCF-style (leftmost placement, unchanged base first): chr19-2110226-T-TGGCGGGGGCGAGAGGG. GRCh37 (hg19) VCF-style: chr19-2110225-T-TGGCGGGGGCGAGAGGG.
Other names: c.2990-18_2990-3dup (NM_003938.8); c.3140-18_3140-3dup (NM_001374799.1).
Identifiers: ClinVar variation 4812307 (VCV004812307.1).